The following is an entry in ClinVar:

NM_018406.7(MUC4):c.8384C>G (p.Thr2795Arg)

Gene: MUC4 (mucin 4, cell surface associated). Cytogenetic location: 3q29.
Variant type: single nucleotide variant.
Coding change: c.8384C>G on transcript NM_018406.7 (MANE Select); coding-DNA position 8384, C replaced by G.
Protein change: p.Thr2795Arg; replaces threonine 2795 with arginine.
Molecular consequence: missense variant. On other transcripts: genic upstream transcript variant (2).
Genome position (GRCh38, 1-based): chr3:195,783,196, G>C on the plus strand (C>G on the coding strand, the complement: MUC4 is on the minus strand). VCF-style: chr3-195783196-G-C. GRCh37 (hg19) VCF-style: chr3-195510067-G-C.
Other names: c.12191C>G, p.Thr4064Arg (NM_001322468.1); c.83-8891C>G (NM_138297.5); c.83-4741C>G (NM_004532.6); short protein forms T2795R, T4064R.
Identifiers: ClinVar variation 3250578 (VCV003250578.18), dbSNP rs1216102288.
Genomic context (GRCh38, chr3:195,783,196, plus strand): 5'-GTGGCGTGACCTGTGGACACTGACGAAGCGTCGGTGACAGGAAGAGGGGTGGTGTGACCT[G>C]TGGATGCTGAGGAAGGGCTGGTGACATGAAGAGGGGTGGCGTGACCTGTGGATACTGAGG-3'
Protein context (NP_060876.5, residues 2785-2805): LHVTSPSSAS[Thr2795Arg]GHTTPLPVTD

ClinVar aggregate classification (germline): Likely benign (1 of 4 stars; one submission).

Allele frequency attached by ClinVar (database versions not stated): gnomAD 0.00001; ExAC 0.00009.

Submission:

CeGaT Center for Human Genetics Tuebingen
Classification: Likely benign. Last evaluated: 2024-06-01. Review status: criteria provided, single submitter. Criteria: CeGaT Center For Human Genetics Tuebingen Variant Classification Criteria Version 2. Collection method: clinical testing. Allele origin: germline. Affected: yes. Observed: 1 variant allele.
Comment: MUC4: BP4